The following is an entry in ClinVar:

ClinVar aggregate classification (germline): Uncertain significance. Review status: criteria provided, single submitter (1 of 4 stars). 2 submissions from 2 submitters: Uncertain significance (1). 1 of the submissions does not count toward it. Last evaluated 2024-02-20.

Conditions:
Acyl-CoA oxidase deficiency. Also called: Pseudoneonatal adrenoleukodystrophy; STRAIGHT-CHAIN ACYL-CoA OXIDASE DEFICIENCY; Peroxisomal acyl-CoA oxidase deficiency. Identifiers: Orphanet 2971, MedGen C1849678, MONDO:0009919, OMIM 264470. Disease mechanism: loss of function.

Allele frequency attached by ClinVar (database versions not stated): gnomAD exomes below 0.00001.
gnomAD v4.1: 3 of 1,609,590 alleles (0.00019%); highest among the groups gnomAD compares: Non-Finnish European, 0.00025%; no homozygotes.

Submissions (2):

Women's Health and Genetics/Laboratory Corporation of America, LabCorp
Classification: Uncertain significance. Last evaluated: 2024-02-20. Review status: criteria provided, single submitter. Criteria: LabCorp Variant Classification Summary - May 2015. Collection method: clinical testing. Allele origin: germline.
Comment: Variant summary: ACOX1 c.109+7G>A alters a non-conserved nucleotide located close to a canonical splice site and therefore could affect mRNA splicing, leading to a significantly altered protein sequence. Consensus agreement among computation tools predict no significant impact on normal splicing. However, these predictions have yet to be confirmed by functional studies. The variant was absent in 247408 control chromosomes. The available data on variant occurrences in the general population are insufficient to allow any conclusion about variant significance. To our knowledge, no occurrence of c.109+7G>A in individuals affected with Pseudoneonatal Adrenoleukodystrophy and no experimental evidence demonstrating its impact on protein function have been reported. No submitters have cited clinical-significance assessments for this variant to ClinVar. Based on the evidence outlined above, the variant was classified as uncertain significance.

Natera, Inc.
Classification: Uncertain significance for Peroxisomal acyl-CoA oxidase deficiency. Last evaluated: 2025-02-11. Review status: no assertion criteria provided. Collection method: clinical testing. Allele origin: germline. Not counted in ClinVar's aggregate classification.

NM_004035.7(ACOX1):c.109+7G>A

Gene: ACOX1 (acyl-CoA oxidase 1; minus strand). Cytogenetic location: 17q25.1.
Variant type: single nucleotide variant.
Coding change: c.109+7G>A on transcript NM_004035.7 (MANE Select); 7 bases into the intron after coding-DNA position 109, G replaced by A.
Molecular consequence: intron variant. On other transcripts: 5 prime UTR variant (1).
Genome position (GRCh38, 1-based): chr17:75,978,958, C>T on the plus strand (G>A on the coding strand, the complement: ACOX1 is on the minus strand). VCF-style: chr17-75978958-C-T. GRCh37 (hg19) VCF-style: chr17-73975039-C-T.
Other names: c.-173G>A (NM_001185039.2); c.109+7G>A (NM_007292.6, NM_004035.6).
Identifiers: ClinVar variation 3069019 (VCV003069019.3), dbSNP rs535030443, ClinGen allele CA294125775.